The following is an entry in ClinVar:

ClinVar aggregate classification (germline): Uncertain significance (1 of 4 stars; one submission).

Conditions:
Heterotopia, periventricular, X-linked dominant (PVNH1). Also called: PERIVENTRICULAR NODULAR HETEROTOPIA 1; X-linked periventricular heterotopia; PERIVENTRICULAR NODULAR HETEROTOPIA 4; HETEROTOPIA, PERIVENTRICULAR, 1. Identifiers: Orphanet 2149, Orphanet 82004, MedGen C1848213, MONDO:0010233, OMIM 300049.
Oto-palato-digital syndrome, type II (OPD2). Also called: OPD II SYNDROME; FACIOPALATOOSSEOUS SYNDROME; Otopalatodigital Syndrome Type 2 (FLNA-OPD2); Otopalatodigital Syndrome, Type II. Identifiers: Orphanet 669, Orphanet 90652, MedGen C1844696, MONDO:0010571, OMIM 304120.
Frontometaphyseal dysplasia (FMD1). Identifiers: Orphanet 1826, MedGen C0265293, MONDO:0015942.
Melnick-Needles syndrome (MNS). Also called: MELNICK-NEEDLES OSTEODYSPLASTY; OSTEODYSPLASTY OF MELNICK AND NEEDLES; Melnick-Needles Syndrome (FLNA-MNS). Identifiers: Orphanet 2484, MedGen C0025237, MONDO:0010650, OMIM 309350.

Submission:

Labcorp Genetics (formerly Invitae), Labcorp
Classification: Uncertain significance for Oto-palato-digital syndrome, type II; Heterotopia, periventricular, X-linked dominant; Frontometaphyseal dysplasia; Melnick-Needles syndrome. Last evaluated: 2019-01-20. Review status: criteria provided, single submitter. Criteria: Invitae Variant Classification Sherloc (09022015). Collection method: clinical testing. Allele origin: germline.
Comment: This variant has not been reported in the literature in individuals with FLNA-related conditions. This sequence change replaces glycine with cysteine at codon 2052 of the FLNA protein (p.Gly2052Cys). The glycine residue is highly conserved and there is a large physicochemical difference between glycine and cysteine. This variant is not present in population databases (ExAC no frequency). In summary, the available evidence is currently insufficient to determine the role of this variant in disease. Therefore, it has been classified as a Variant of Uncertain Significance. Algorithms developed to predict the effect of missense changes on protein structure and function (SIFT, PolyPhen-2, Align-GVGD) all suggest that this variant is likely to be disruptive, but these predictions have not been confirmed by published functional studies and their clinical significance is uncertain.

NM_001110556.2(FLNA):c.6178G>T (p.Gly2060Cys)

Gene: FLNA (filamin A; minus strand). Cytogenetic location: Xq28.
Variant type: single nucleotide variant.
Coding change: c.6178G>T on transcript NM_001110556.2 (MANE Select); coding-DNA position 6178, G replaced by T.
Protein change: p.Gly2060Cys; replaces glycine 2060 with cysteine.
Molecular consequence: missense variant.
Genome position (GRCh38, 1-based): chrX:154,353,049, C>A on the plus strand (G>T on the coding strand, the complement: FLNA is on the minus strand). VCF-style: chrX-154353049-C-A. GRCh37 (hg19) VCF-style: chrX-153581417-C-A.
Other names: c.6154G>T, p.Gly2052Cys (NM_001456.4); short protein forms G2052C, G2060C.
Identifiers: ClinVar variation 843509 (VCV000843509.10), dbSNP rs2067633506, ClinGen allele CA415195468.